The following is an entry in ClinVar:

NM_001372044.2(SHANK3):c.2470A>G (p.Ile824Val)

Gene: SHANK3 (SH3 and multiple ankyrin repeat domains 3; plus strand). Cytogenetic location: 22q13.33.
Variant type: single nucleotide variant.
Coding change: c.2470A>G on transcript NM_001372044.2 (MANE Select); coding-DNA position 2470, A replaced by G.
Protein change: p.Ile824Val; replaces isoleucine 824 with valine.
Molecular consequence: missense variant.
Genome position (GRCh38, 1-based): chr22:50,715,027, A>G. VCF-style: chr22-50715027-A-G. GRCh37 (hg19) VCF-style: chr22-51153455-A-G.
Other names: c.2245A>G, p.Ile749Val (NM_033517.1); short protein forms I749V, I824V.
Identifiers: ClinVar variation 2628792 (VCV002628792.1), dbSNP rs1410737622, ClinGen allele CA515257968.

ClinVar aggregate classification (germline): Uncertain significance (1 of 4 stars; one submission).

Conditions:
SHANK3-related disorder. Also called: SHANK3-related condition.

Allele frequency attached by ClinVar (database versions not stated): gnomAD exomes below 0.00001; TOPMed below 0.00001; gnomAD 0.00001.

Submission:

PreventionGenetics, part of Exact Sciences
Classification: Uncertain significance for SHANK3-related condition. Last evaluated: 2022-08-25. Review status: criteria provided, single submitter. Criteria: ACMG Guidelines, 2015. Collection method: clinical testing. Allele origin: germline.
Comment: The SHANK3 c.2245A>G variant is predicted to result in the amino acid substitution p.Ile749Val. To our knowledge, this variant has not been reported in the literature. This variant is reported in 0.0040% of alleles in individuals of Latino descent in gnomAD. At this time, the clinical significance of this variant is uncertain due to the absence of conclusive functional and genetic evidence.